The following is an entry in ClinVar:

ClinVar aggregate classification (germline): Benign/Likely benign. Review status: criteria provided, multiple submitters, no conflicts (2 of 4 stars). 5 submissions from 5 submitters: Benign (1); Likely benign (4). Last evaluated 2026-06-01.

Conditions:
Developmental and epileptic encephalopathy, 62. Also called: Early infantile epileptic encephalopathy 62. Identifiers: MedGen C4693699, MONDO:0033371, OMIM 617938.
Epilepsy, familial focal, with variable foci 4 (FFEVF4). Identifiers: MedGen C4693694, MONDO:0054776, OMIM 617935.

Allele frequency attached by ClinVar (database versions not stated): gnomAD exomes 0.00009 and 0.00043; ESP Exome Variant Server 0.00031; gnomAD 0.00033 and 0.00035; TOPMed 0.00036; 1000 Genomes Project 30x 0.00047; ExAC 0.00051; 1000 Genomes Project 0.00060.

Submissions (5):

CeGaT Center for Human Genetics Tuebingen
Classification: Likely benign. Last evaluated: 2026-06-01. Review status: criteria provided, single submitter. Criteria: CeGaT Center For Human Genetics Tuebingen Variant Classification Criteria Version 2. Collection method: clinical testing. Allele origin: germline. Affected: yes. Observed: 1 variant allele.
Comment: SCN3A: BP4, BP7, BS1

Labcorp Genetics (formerly Invitae), Labcorp
Classification: Benign. Last evaluated: 2025-10-26. Review status: criteria provided, single submitter. Criteria: Invitae Variant Classification Sherloc (09022015). Collection method: clinical testing. Allele origin: germline.

Mayo Clinic Laboratories, Mayo Clinic
Classification: Likely benign. Last evaluated: 2025-04-10. Review status: criteria provided, single submitter. Criteria: ACMG Guidelines, 2015. Collection method: clinical testing. Allele origin: germline. Observed: 1 variant allele.
Comment: BS1, BP4, BP7

Blueprint Genetics
Classification: Likely benign. Last evaluated: 2024-11-26. Review status: criteria provided, single submitter. Criteria: ACMG Guidelines, 2015. Collection method: clinical testing. Allele origin: germline.

Fulgent Genetics
Classification: Likely benign for Epilepsy, familial focal, with variable foci 4; Developmental and epileptic encephalopathy, 62. Last evaluated: 2022-04-18. Review status: criteria provided, single submitter. Criteria: ACMG Guidelines, 2015. Collection method: clinical testing. Allele origin: unknown.

NM_006922.4(SCN3A):c.5232A>G (p.Pro1744=)

Gene: SCN3A (sodium voltage-gated channel alpha subunit 3; minus strand). Cytogenetic location: 2q24.3.
Variant type: single nucleotide variant.
Coding change: c.5232A>G on transcript NM_006922.4 (MANE Select); coding-DNA position 5232, A replaced by G.
Protein change: p.Pro1744=; no amino-acid change (proline 1744 retained).
Molecular consequence: synonymous variant.
Genome position (GRCh38, 1-based): chr2:165,090,921, T>C on the plus strand (A>G on the coding strand, the complement: SCN3A is on the minus strand). VCF-style: chr2-165090921-T-C. GRCh37 (hg19) VCF-style: chr2-165947431-T-C.
Other names: p.Pro1744=; c.5085A>G, p.Pro1695= (NM_001081676.2, NM_001081677.2).
Identifiers: ClinVar variation 412602 (VCV000412602.17), dbSNP rs144587694, ClinGen allele CA1938422.